The following is an entry in ClinVar:

NM_001385079.1(PDE10A):c.1696T>C (p.Phe566Leu)

Gene: PDE10A (phosphodiesterase 10A; minus strand). Cytogenetic location: 6q27.
Variant type: single nucleotide variant.
Coding change: c.1696T>C on transcript NM_001385079.1 (MANE Select); coding-DNA position 1696, T replaced by C.
Protein change: p.Phe566Leu; replaces phenylalanine 566 with leucine.
Molecular consequence: missense variant.
Genome position (GRCh38, 1-based): chr6:165,418,735, A>G on the plus strand (T>C on the coding strand, the complement: PDE10A is on the minus strand). VCF-style: chr6-165418735-A-G. GRCh37 (hg19) VCF-style: chr6-165832223-A-G.
Other names: c.898T>C, p.Phe300Leu (NM_001130690.3); c.868T>C, p.Phe290Leu (NM_006661.4); short protein forms F300L, F290L, F566L.
Identifiers: ClinVar variation 225636 (VCV000225636.11), dbSNP rs875989841, ClinGen allele CA10576041.
Genomic context (GRCh38, chr6:165,418,735, plus strand): 5'-TTTCCTCTCCAATATCAAAAAGGTCTGAATATAACTCCTTGTTCTTATGGTCCACCTGGA[A>G]AAGCGCACAACGATCGGCATTCACCAGGTTTTTTGCATATATCTAAAGACAAATGACAAA-3'
Protein context (NP_001372008.1, residues 556-576): NLVNADRCAL[Phe566Leu]QVDHKNKELY

ClinVar aggregate classification (germline): Pathogenic. Review status: criteria provided, multiple submitters, no conflicts (2 of 4 stars). 3 submissions from 3 submitters: Pathogenic (2). 1 of the submissions does not count toward it. Last evaluated 2022-09-27.

Conditions:
Striatal degeneration, autosomal dominant 2 (ADSD2). Identifiers: MedGen C4310791, MONDO:0014835, OMIM 616922.

Submissions (3):

Institute for Medical Genetics and Human Genetics, Charité - Universitätsmedizin Berlin
Classification: Pathogenic for Striatal degeneration, autosomal dominant 2. Last evaluated: 2022-09-27. Review status: criteria provided, single submitter. Criteria: ACMG Guidelines, 2015. Collection method: clinical testing. Allele origin: germline. Inheritance: Autosomal dominant inheritance. Affected: yes. Observed: 1 heterozygote.

Labcorp Genetics (formerly Invitae), Labcorp
Classification: Pathogenic. Last evaluated: 2020-11-05. Review status: criteria provided, single submitter. Criteria: Invitae Variant Classification Sherloc (09022015). Collection method: clinical testing. Allele origin: germline.
Comment: For these reasons, this variant has been classified as Pathogenic. Experimental studies have shown that this variant affects PDE10A protein function (PMID: 27058447). This variant is not present in population databases (ExAC no frequency). This variant has been observed in individual(s) with autosomal dominant childhood onset chorea with bilateral striatal lesions (PMID: 27058447, 29165877). In at least one individual the variant was observed to be de novo. ClinVar contains an entry for this variant (Variation ID: 225636). This sequence change replaces phenylalanine with leucine at codon 300 of the PDE10A protein (p.Phe300Leu). The phenylalanine residue is highly conserved and there is a small physicochemical difference between phenylalanine and leucine.

OMIM
Classification: Pathogenic for STRIATAL DEGENERATION, AUTOSOMAL DOMINANT 2. Last evaluated: 2016-04-29. Review status: no assertion criteria provided. Collection method: literature only. Allele origin: germline. Not counted in ClinVar's aggregate classification.

Literature cited by the submitters: PubMed 27058447 (cited by Labcorp Genetics (formerly Invitae), Labcorp and OMIM); PubMed 29165877 (cited by Labcorp Genetics (formerly Invitae), Labcorp).